The following is an entry in ClinVar:

NM_016507.4(CDK12):c.3187T>A (p.Ser1063Thr)

Gene: CDK12 (cyclin dependent kinase 12; plus strand). Cytogenetic location: 17q12.
Variant type: single nucleotide variant.
Coding change: c.3187T>A on transcript NM_016507.4 (MANE Select); coding-DNA position 3187, T replaced by A.
Protein change: p.Ser1063Thr; replaces serine 1063 with threonine.
Molecular consequence: missense variant.
Genome position (GRCh38, 1-based): chr17:39,524,765, T>A. VCF-style: chr17-39524765-T-A. GRCh37 (hg19) VCF-style: chr17-37681018-T-A.
Other names: c.3187T>A, p.Ser1063Thr (NM_015083.4); short protein forms S1063T.
Identifiers: ClinVar variation 4224242 (VCV004224242.1).

ClinVar aggregate classification (germline): Uncertain significance (1 of 4 stars; one submission).

gnomAD v4.1: 1 of 1,614,142 alleles (0.000062%); no homozygotes.

Submission:

Ambry Genetics
Classification: Uncertain significance. Last evaluated: 2025-07-01. Review status: criteria provided, single submitter. Criteria: Ambry Variant Classification Scheme 2023. Collection method: clinical testing. Allele origin: germline.
Comment: The p.S1063T variant (also known as c.3187T>A), located in coding exon 12 of the CDK12 gene, results from a T to A substitution at nucleotide position 3187. The serine at codon 1063 is replaced by threonine, an amino acid with similar properties. This amino acid position is conserved. In addition, this alteration is predicted to be tolerated by in silico analysis. Based on the available evidence, the clinical significance of this variant remains unclear.